The following is an entry in ClinVar:

NM_000245.4(MET):c.3231T>A (p.Ile1077=)

Gene: MET (MET proto-oncogene, receptor tyrosine kinase; plus strand). Cytogenetic location: 7q31.2.
Variant type: single nucleotide variant.
Coding change: c.3231T>A on transcript NM_000245.4 (MANE Select); coding-DNA position 3231, T replaced by A.
Protein change: p.Ile1077=; no amino-acid change (isoleucine 1077 retained).
Molecular consequence: synonymous variant.
Genome position (GRCh38, 1-based): chr7:116,775,083, T>A. VCF-style: chr7-116775083-T-A. GRCh37 (hg19) VCF-style: chr7-116415137-T-A.
Other names: c.3285T>A (LRG_662t1); c.3285T>A, p.Ile1095= (NM_001127500.3); c.1941T>A, p.Ile647= (NM_001324402.2).
Identifiers: ClinVar variation 524914 (VCV000524914.17), dbSNP rs1251215478, ClinGen allele CA457218470.

ClinVar aggregate classification (germline): Benign/Likely benign. Review status: criteria provided, multiple submitters, no conflicts (2 of 4 stars). 3 submissions from 3 submitters: Benign (1); Likely benign (2). Last evaluated 2025-02-21.

Conditions:
Papillary renal cell carcinoma type 1 (RCCP1). Also called: RENAL CELL CARCINOMA, PAPILLARY, 1, SOMATIC; Renal adenocarcinoma; Renal cell carcinoma 1; Renal cell carcinoma, somatic. Identifiers: Orphanet 47044, MedGen C1336839, OMIM 605074, HP:0011797.
Renal cell carcinoma. Identifiers: Orphanet 217071, MedGen C0007134, MeSH D002292, MONDO:0005086, HP:0005584.
Hereditary cancer-predisposing syndrome. Also called: Neoplastic Syndromes, Hereditary; Hereditary neoplastic syndrome; Tumor predisposition; Hereditary Cancer Syndrome. Identifiers: Orphanet 140162, MedGen C0027672, MeSH D009386, MONDO:0015356.

Allele frequency attached by ClinVar (database versions not stated): gnomAD 0.00001; gnomAD exomes 0.00001.
gnomAD v4.1: 12 of 1,614,056 alleles (0.00074%); highest among the groups gnomAD compares: Admixed American, 0.005%; no homozygotes.

Submissions (3):

Labcorp Genetics (formerly Invitae), Labcorp
Classification: Likely benign for Renal cell carcinoma. Last evaluated: 2025-02-21. Review status: criteria provided, single submitter. Criteria: Invitae Variant Classification Sherloc (09022015). Collection method: clinical testing. Allele origin: germline.

Myriad Genetics, Inc.
Classification: Benign for Papillary renal cell carcinoma type 1. Last evaluated: 2024-11-13. Review status: criteria provided, single submitter. Criteria: Myriad Autosomal Dominant, Autosomal Recessive and X-Linked Classification Criteria (2023). Collection method: clinical testing. Allele origin: unknown.
Comment: This variant is considered benign. This variant is a silent/synonymous amino acid change and it is not expected to impact splicing.

Ambry Genetics
Classification: Likely benign for Hereditary cancer-predisposing syndrome. Last evaluated: 2018-10-01. Review status: criteria provided, single submitter. Criteria: Ambry Variant Classification Scheme 2023. Collection method: clinical testing. Allele origin: germline.